The following is an entry in ClinVar:

ClinVar aggregate classification (germline): Uncertain significance (1 of 4 stars; one submission).

Conditions:
Hereditary spastic paraplegia 45. Also called: SPASTIC PARAPLEGIA 45; Spastic paraplegia 45, autosomal recessive. Identifiers: Orphanet 320396, MedGen C3888209, MONDO:0013165, OMIM 613162.

Submission:

Labcorp Genetics (formerly Invitae), Labcorp
Classification: Uncertain significance for Hereditary spastic paraplegia 45. Last evaluated: 2025-04-14. Review status: criteria provided, single submitter. Criteria: Invitae Variant Classification Sherloc (09022015). Collection method: clinical testing. Allele origin: germline.
Comment: This sequence change creates a premature translational stop signal (p.Glu560*) in the NT5C2 gene. While this is not anticipated to result in nonsense mediated decay, it is expected to disrupt the last 2 amino acid(s) of the NT5C2 protein. This variant is present in population databases (no rsID available, gnomAD 0.0009%). This variant has not been reported in the literature in individuals affected with NT5C2-related conditions. ClinVar contains an entry for this variant (Variation ID: 541768). Experimental studies and prediction algorithms are not available or were not evaluated, and the functional significance of this variant is currently unknown. In summary, the available evidence is currently insufficient to determine the role of this variant in disease. Therefore, it has been classified as a Variant of Uncertain Significance.

NM_001351169.2(NT5C2):c.1662_1667del (p.Glu560_Glu561del)

Genes: NT5C2 (5'-nucleotidase, cytosolic II; minus strand), CNNM2 (cyclin and CBS domain divalent metal cation transport mediator 2; plus strand). Cytogenetic location: 10q24.32.
Variant type: Deletion.
Coding change: c.1662_1667del on transcript NM_001351169.2 (MANE Select); coding-DNA positions 1662 to 1667, 6 bases deleted (AGAGGA; older notation c.1662_1667delAGAGGA).
Protein change: p.Glu560_Glu561del.
Molecular consequence: inframe deletion. On other transcripts: 3 prime UTR variant (2), inframe indel (1).
Genome position (GRCh38, 1-based): chr10:103,089,691-103,089,696, TCCTCT deleted on the plus strand (AGAGGA on the coding strand, the reverse complement: NT5C2 is on the minus strand); deleting any 6 consecutive bases within chr10:103,089,691-103,089,698 gives the same sequence; the c. name uses the placement nearest the transcript's 3' end. VCF-style (leftmost placement, unchanged base first): chr10-103089690-CTCCTCT-C. GRCh37 (hg19) VCF-style: chr10-104849447-CTCCTCT-C.
Other names: c.1662_1667del, p.Glu560_Glu561del (NM_001134373.3, NM_012229.5); c.1686_1691del, p.Glu568_Glu569del (NM_001351170.2, NM_001351171.2, NM_001351172.2 and 1 more transcripts); c.1575_1580del, p.Glu531_Glu532del (NM_001351174.1); c.1569_1574del, p.Glu529_Glu530del (NM_001351175.2); c.1089_1094del, p.Glu369_Glu370del (NM_001351176.2, NM_001351177.2, NM_001351178.2 and 16 more transcripts); c.948_953del, p.Glu322_Glu323del (NM_001351194.2, NM_001351195.2, NM_001351196.2); c.*12513_*12518del (NM_017649.5, NM_199076.3); c.1662_1667delAGAGGA (NM_012229.4).
Identifiers: ClinVar variation 541768 (VCV000541768.5), dbSNP rs1338040632, ClinGen allele CA595690118.
Genomic context (GRCh38, chr10:103,089,690, plus strand): 5'-CAGGACTTGTTTAATGGGTGCTTGGGGTTTTGGTTTTCCTCCTTATTCTTCCTCCTCCTC[CTCCTCT>C]TCATCATCATCTTCGTCATGGCAGTGTGTAATTTCCTGGGGGGCCAGTGGGAAGAGGTTG-3'